The following is an entry in ClinVar:

ClinVar aggregate classification (germline): Likely benign. Review status: criteria provided, multiple submitters, no conflicts (2 of 4 stars). 3 submissions from 3 submitters: Likely benign (3). Last evaluated 2026-02-11.

Conditions:
HK1-related disorder. Also called: HK1-related condition; HK1-related disorders.

gnomAD v4.1: 34 of 1,614,106 alleles (0.0021%); highest among the groups gnomAD compares: African/African-American, 0.0053%; no homozygotes.

Submissions (3):

PreventionGenetics, part of Exact Sciences
Classification: Likely benign for HK1-related condition. Last evaluated: 2026-02-11. Review status: criteria provided, single submitter. Criteria: ACMG Guidelines, 2015. Collection method: clinical testing. Allele origin: germline.
Comment: This variant is classified as likely benign based on ACMG/AMP sequence variant interpretation guidelines (Richards et al. 2015 PMID: 25741868, with internal and published modifications).

Labcorp Genetics (formerly Invitae), Labcorp
Classification: Likely benign. Last evaluated: 2025-07-19. Review status: criteria provided, single submitter. Criteria: Invitae Variant Classification Sherloc (09022015). Collection method: clinical testing. Allele origin: germline.

Blueprint Genetics
Classification: Likely benign. Last evaluated: 2021-09-22. Review status: criteria provided, single submitter. Criteria: ACMG Guidelines, 2015. Collection method: clinical testing. Allele origin: germline.

NM_000188.3(HK1):c.2661C>T (p.Asn887=)

Gene: HK1 (hexokinase 1; plus strand). Cytogenetic location: 10q22.1.
Variant type: single nucleotide variant.
Coding change: c.2661C>T on transcript NM_000188.3 (MANE Select); coding-DNA position 2661, C replaced by T.
Protein change: p.Asn887=; no amino-acid change (asparagine 887 retained).
Molecular consequence: synonymous variant. On other transcripts: non-coding transcript variant (2).
Genome position (GRCh38, 1-based): chr10:69,401,042, C>T. VCF-style: chr10-69401042-C-T. GRCh37 (hg19) VCF-style: chr10-71160798-C-T.
Other names: c.1653C>T, p.Asn551= (NM_001441153.1); c.2658C>T, p.Asn886= (NM_033496.3, NM_001441139.1); c.2673C>T, p.Asn891= (NM_033497.3, NM_033498.3, NM_001322364.2 and 1 more transcripts); c.2625C>T, p.Asn875= (NM_033500.2); c.2541C>T, p.Asn847= (NM_001441145.1, NM_001441144.1); c.2505C>T, p.Asn835= (NM_001441146.1); c.2439C>T, p.Asn813= (NM_001441147.1); c.2427C>T, p.Asn809= (NM_001441148.1); and 10 more.
Identifiers: ClinVar variation 4692983 (VCV004692983.3).